The following is an entry in ClinVar:

NM_000238.4(KCNH2):c.2464G>C (p.Val822Leu)

Gene: KCNH2 (potassium voltage-gated channel subfamily H member 2; minus strand). Cytogenetic location: 7q36.1.
Variant type: single nucleotide variant.
Coding change: c.2464G>C on transcript NM_000238.4 (MANE Select); coding-DNA position 2464, G replaced by C.
Protein change: p.Val822Leu; replaces valine 822 with leucine.
Molecular consequence: missense variant. On other transcripts: non-coding transcript variant (2).
Genome position (GRCh38, 1-based): chr7:150,948,984, C>G on the plus strand (G>C on the coding strand, the complement: KCNH2 is on the minus strand). VCF-style: chr7-150948984-C-G. GRCh37 (hg19) VCF-style: chr7-150646072-C-G.
Other names: p.V822L:GTG>CTG; c.2176G>C, p.Val726Leu (NM_001406753.1); c.1444G>C, p.Val482Leu (NM_172057.3); short protein forms V482L, V822L, V726L.
Identifiers: ClinVar variation 200456 (VCV000200456.4), dbSNP rs121912506, ClinGen allele CA006804.
Genomic context (GRCh38, chr7:150,948,984, plus strand): 5'-GCACCTCCAGCAGGTCGTCCCGATGGATCTTGTGTAGGTCACAGTAGGTGAGGGCCCGCA[C>G]ATCCCCGTTCGACTTGCCAGGCCTTGCATACAGGTTCAGAGGCTCCCCAAAGATGTCATT-3'
Protein context (NP_000229.1, residues 812-832): YARPGKSNGD[Val822Leu]RALTYCDLHK

ClinVar aggregate classification (germline): Likely pathogenic. Review status: criteria provided, multiple submitters, no conflicts (2 of 4 stars). 2 submissions from 2 submitters: Likely pathogenic (2). Last evaluated 2025-11-04.

Conditions:
Cardiovascular phenotype. Identifiers: MedGen CN230736.

Submissions (2):

Ambry Genetics
Classification: Likely pathogenic for Cardiovascular phenotype. Last evaluated: 2025-11-04. Review status: criteria provided, single submitter. Criteria: Ambry Variant Classification Scheme 2023. Collection method: clinical testing. Allele origin: germline.
Comment: The p.V822L variant (also known as c.2464G>C), located in coding exon 10 of the KCNH2 gene, results from a G to C substitution at nucleotide position 2464. The valine at codon 822 is replaced by leucine, an amino acid with highly similar properties. This variant, and another variant resulting in the same amino acid change (c.2464G>T), have been identified in one or more individuals with features consistent with long QT syndrome (LQTS) and segregated with disease in at least one family (Yee LA et al. J Am Heart Assoc, 2022 Sep;11:e025108; Szperl M et al. J Appl Genet, 2018 Nov;59:463-469; Ambry internal data). Other variant(s) at the same codon, p.V822M (c.2464G>A), have been identified in individual(s) with features consistent with LQTS (Satler CA et al. Am J Med Genet. 1996;65(1):27-3). This amino acid position is highly conserved in available vertebrate species. In addition, this alteration is predicted to be deleterious by in silico analysis. This variant is considered to be rare based on population cohorts in the Genome Aggregation Database (gnomAD). Based on the majority of available evidence to date, this variant is likely to be pathogenic.

GeneDx
Classification: Likely pathogenic. Last evaluated: 2017-06-15. Review status: criteria provided, single submitter. Criteria: GeneDx Variant Classification (06012015). Collection method: clinical testing. Allele origin: germline. Affected: yes.
Comment: p.Val822Leu (GTG>CTG): c.2464 G>C in exon 10 of the KCNH2 (aka HERG) gene (NM_000238.2)While the Val822Leu variant in the KCNH2 gene has not been reported to our knowledge, a variant affecting this same codon, Val822Met, has been reported in association with LQTS. Additionally, variants in nearby residues (Ser818Pro, Gly820Arg, Arg823Trp, Thr826Ile) have been reported in association with LQTS, further supporting the functional importance of this codon and this region of the protein. Val822Leu results in a conservative amino acid substitution of one non-polar amino acid with another at a position that is conserved across species. In silico analysis predicts Val822Leu is probably damaging to the protein structure/function. Furthermore, Val822Leu was not observed in approximately 6,500 individuals of European and African American ancestry in an external variant database, indicating it is not a common benign variant in these populations. In summary, Val822Leu in the KCNH2 gene is interpreted as a likely pathogenic variant.

Literature cited by the submitters: PubMed 30244407 (cited by Ambry Genetics); PubMed 36102233 (cited by Ambry Genetics).